The following is an entry in ClinVar:

NM_003327.4(TNFRSF4):c.104C>T (p.Thr35Ile)

Gene: TNFRSF4 (TNF receptor superfamily member 4; minus strand). Cytogenetic location: 1p36.33.
Variant type: single nucleotide variant.
Coding change: c.104C>T on transcript NM_003327.4 (MANE Select); coding-DNA position 104, C replaced by T.
Protein change: p.Thr35Ile; replaces threonine 35 with isoleucine.
Molecular consequence: missense variant.
Genome position (GRCh38, 1-based): chr1:1,214,024, G>A on the plus strand (C>T on the coding strand, the complement: TNFRSF4 is on the minus strand). VCF-style: chr1-1214024-G-A. GRCh37 (hg19) VCF-style: chr1-1149404-G-A.
Other names: short protein forms T35I.
Identifiers: ClinVar variation 1498223 (VCV001498223.8), dbSNP rs915896849, ClinGen allele CA16733917.

ClinVar aggregate classification (germline): Uncertain significance (1 of 4 stars; one submission).

Conditions:
Combined immunodeficiency due to OX40 deficiency. Also called: Immunodeficiency 16; OX40 DEFICIENCY. Identifiers: Orphanet 431149, MedGen C3810053, MONDO:0014268, OMIM 615593.

Allele frequency attached by ClinVar (database versions not stated): gnomAD exomes below 0.00001.
gnomAD v4.1: 3 of 1,604,800 alleles (0.00019%); highest among the groups gnomAD compares: Non-Finnish European, 0.00025%; no homozygotes.

Submission:

Labcorp Genetics (formerly Invitae), Labcorp
Classification: Uncertain significance for Combined immunodeficiency due to OX40 deficiency. Last evaluated: 2024-09-19. Review status: criteria provided, single submitter. Criteria: Invitae Variant Classification Sherloc (09022015). Collection method: clinical testing. Allele origin: germline.
Comment: This sequence change replaces threonine, which is neutral and polar, with isoleucine, which is neutral and non-polar, at codon 35 of the TNFRSF4 protein (p.Thr35Ile). This variant is not present in population databases (gnomAD no frequency). This variant has not been reported in the literature in individuals affected with TNFRSF4-related conditions. ClinVar contains an entry for this variant (Variation ID: 1498223). Invitae Evidence Modeling of protein sequence and biophysical properties (such as structural, functional, and spatial information, amino acid conservation, physicochemical variation, residue mobility, and thermodynamic stability) indicates that this missense variant is expected to disrupt TNFRSF4 protein function with a positive predictive value of 80%. In summary, the available evidence is currently insufficient to determine the role of this variant in disease. Therefore, it has been classified as a Variant of Uncertain Significance.